The following is an entry in ClinVar:

NM_022051.3(EGLN1):c.487T>G (p.Tyr163Asp)

Gene: EGLN1 (egl-9 family hypoxia inducible factor 1; minus strand). Cytogenetic location: 1q42.2.
Variant type: single nucleotide variant.
Coding change: c.487T>G on transcript NM_022051.3 (MANE Select); coding-DNA position 487, T replaced by G.
Protein change: p.Tyr163Asp; replaces tyrosine 163 with aspartic acid.
Molecular consequence: missense variant.
Genome position (GRCh38, 1-based): chr1:231,421,402, A>C on the plus strand (T>G on the coding strand, the complement: EGLN1 is on the minus strand). VCF-style: chr1-231421402-A-C. GRCh37 (hg19) VCF-style: chr1-231557148-A-C.
Other names: c.487T>G, p.Tyr163Asp (NM_001377260.1, NM_001377261.1); short protein forms Y163D.
Identifiers: ClinVar variation 1743790 (VCV001743790.8), dbSNP rs1656592359, ClinGen allele CA345236807.

ClinVar aggregate classification (germline): Uncertain significance. Review status: criteria provided, multiple submitters, no conflicts (2 of 4 stars). 2 submissions from 2 submitters: Uncertain significance (2). Last evaluated 2024-09-15.

Conditions:
Erythrocytosis, familial, 3 (ECYT3). Identifiers: Orphanet 247511, MedGen C1853286, MONDO:0012353, OMIM 609820.

Allele frequency attached by ClinVar (database versions not stated): gnomAD exomes below 0.00001.
gnomAD v4.1: 2 of 1,600,040 alleles (0.00012%); highest among the groups gnomAD compares: Non-Finnish European, 0.00017%; no homozygotes.

Submissions (2):

Ambry Genetics
Classification: Uncertain significance. Last evaluated: 2024-09-15. Review status: criteria provided, single submitter. Criteria: Ambry Variant Classification Scheme 2023. Collection method: clinical testing. Allele origin: germline.
Comment: The p.Y163D variant (also known as c.487T>G), located in coding exon 1 of the EGLN1 gene, results from a T to G substitution at nucleotide position 487. The tyrosine at codon 163 is replaced by aspartic acid, an amino acid with highly dissimilar properties. This amino acid position is conserved. In addition, this alteration is predicted to be tolerated by in silico analysis. Since supporting evidence is limited at this time, the clinical significance of this alteration remains unclear.

Labcorp Genetics (formerly Invitae), Labcorp
Classification: Uncertain significance for Erythrocytosis, familial, 3. Last evaluated: 2023-01-11. Review status: criteria provided, single submitter. Criteria: Invitae Variant Classification Sherloc (09022015). Collection method: clinical testing. Allele origin: germline.
Comment: In summary, the available evidence is currently insufficient to determine the role of this variant in disease. Therefore, it has been classified as a Variant of Uncertain Significance. Algorithms developed to predict the effect of missense changes on protein structure and function (SIFT, PolyPhen-2, Align-GVGD) all suggest that this variant is likely to be tolerated. ClinVar contains an entry for this variant (Variation ID: 1743790). This variant has not been reported in the literature in individuals affected with EGLN1-related conditions. This variant is not present in population databases (gnomAD no frequency). This sequence change replaces tyrosine, which is neutral and polar, with aspartic acid, which is acidic and polar, at codon 163 of the EGLN1 protein (p.Tyr163Asp).